The following is an entry in ClinVar:

ClinVar aggregate classification (germline): Uncertain significance (1 of 4 stars; one submission).

Conditions:
Tatton-Brown-Rahman overgrowth syndrome. Also called: Tatton-Brown-Rahman syndrome; Tall stature-intellectual disability-facial dysmorphism syndrome. Identifiers: Orphanet 404443, MedGen C4014545, MONDO:0014382, OMIM 615879.

Submission:

Labcorp Genetics (formerly Invitae), Labcorp
Classification: Uncertain significance for Tatton-Brown-Rahman overgrowth syndrome. Last evaluated: 2023-12-19. Review status: criteria provided, single submitter. Criteria: Invitae Variant Classification Sherloc (09022015). Collection method: clinical testing. Allele origin: germline.
Comment: This sequence change replaces alanine, which is neutral and non-polar, with threonine, which is neutral and polar, at codon 806 of the DNMT3A protein (p.Ala806Thr). This variant is not present in population databases (gnomAD no frequency). This variant has not been reported in the literature in individuals affected with DNMT3A-related conditions. Advanced modeling of protein sequence and biophysical properties (such as structural, functional, and spatial information, amino acid conservation, physicochemical variation, residue mobility, and thermodynamic stability) performed at Invitae indicates that this missense variant is not expected to disrupt DNMT3A protein function with a negative predictive value of 80%. In summary, the available evidence is currently insufficient to determine the role of this variant in disease. Therefore, it has been classified as a Variant of Uncertain Significance.

NM_022552.5(DNMT3A):c.2416G>A (p.Ala806Thr)

Gene: DNMT3A (DNA methyltransferase 3 alpha; minus strand). Cytogenetic location: 2p23.3.
Variant type: single nucleotide variant.
Coding change: c.2416G>A on transcript NM_022552.5 (MANE Select); coding-DNA position 2416, G replaced by A.
Protein change: p.Ala806Thr; replaces alanine 806 with threonine.
Molecular consequence: missense variant. On other transcripts: non-coding transcript variant (1).
Genome position (GRCh38, 1-based): chr2:25,236,998, C>T on the plus strand (G>A on the coding strand, the complement: DNMT3A is on the minus strand). VCF-style: chr2-25236998-C-T. GRCh37 (hg19) VCF-style: chr2-25459867-C-T.
Other names: c.1960G>A, p.Ala654Thr (NM_001320893.1); c.1747G>A, p.Ala583Thr (NM_001375819.1); c.1849G>A, p.Ala617Thr (NM_153759.3); c.2416G>A, p.Ala806Thr (NM_175629.2); short protein forms A583T, A806T, A617T, A654T.
Identifiers: ClinVar variation 2761608 (VCV002761608.3), dbSNP rs2149261310, ClinGen allele CA346069019.